The following is an entry in ClinVar:

NM_001454.4(FOXJ1):c.1111G>C (p.Asp371His)

Gene: FOXJ1 (forkhead box J1; minus strand). Cytogenetic location: 17q25.1.
Variant type: single nucleotide variant.
Coding change: c.1111G>C on transcript NM_001454.4 (MANE Select); coding-DNA position 1111, G replaced by C.
Protein change: p.Asp371His; replaces aspartic acid 371 with histidine.
Molecular consequence: missense variant.
Genome position (GRCh38, 1-based): chr17:76,137,508, C>G on the plus strand (G>C on the coding strand, the complement: FOXJ1 is on the minus strand). VCF-style: chr17-76137508-C-G. GRCh37 (hg19) VCF-style: chr17-74133589-C-G.
Other names: short protein forms D371H.
Identifiers: ClinVar variation 3347177 (VCV003347177.1).
Genomic context (GRCh38, chr17:76,137,508, plus strand): 5'-TGCCGCTCTCGTCCCAGGGGTGCTGCAGGAAGGATGTGGCCAGGAAGGTCTCATCGAAGT[C>G]CAGGCTGTCGGCAGCCTGCTCCACCGAAGGCCCCCAGGTGGCAGGGCAGTCGATGTGGCG-3'
Protein context (NP_001445.2, residues 361-381): PSVEQAADSL[Asp371His]FDETFLATSF

ClinVar aggregate classification (germline): Uncertain significance (0 of 4 stars; one submission).

Conditions:
FOXJ1-related disorder. Also called: FOXJ1-related condition.

Submission:

PreventionGenetics, part of Exact Sciences
Classification: Uncertain significance for FOXJ1-related condition. Last evaluated: 2024-07-09. Review status: no assertion criteria provided. Collection method: clinical testing. Allele origin: germline.
Comment: The FOXJ1 c.1111G>C variant is predicted to result in the amino acid substitution p.Asp371His. To our knowledge, this variant has not been reported in the literature or in a large population database, indicating this variant is rare. At this time, the clinical significance of this variant is uncertain due to the absence of conclusive functional and genetic evidence.